The following is an entry in ClinVar:

ClinVar aggregate classification (germline): Uncertain significance (1 of 4 stars; one submission).

Submission:

GeneDx
Classification: Uncertain significance. Last evaluated: 2024-07-09. Review status: criteria provided, single submitter. Criteria: GeneDx Variant Classification Process June 2021. Collection method: clinical testing. Allele origin: germline.
Comment: Not observed at significant frequency in large population cohorts (gnomAD); In silico analysis supports that this missense variant has a deleterious effect on protein structure/function; Has not been previously published as pathogenic or benign to our knowledge

NM_001170629.2(CHD8):c.2627G>A (p.Arg876Gln)

Gene: CHD8 (chromodomain helicase DNA binding protein 8; minus strand). Cytogenetic location: 14q11.2.
Variant type: single nucleotide variant.
Coding change: c.2627G>A on transcript NM_001170629.2 (MANE Select); coding-DNA position 2627, G replaced by A.
Protein change: p.Arg876Gln; replaces arginine 876 with glutamine.
Molecular consequence: missense variant.
Genome position (GRCh38, 1-based): chr14:21,408,415, C>T on the plus strand (G>A on the coding strand, the complement: CHD8 is on the minus strand). VCF-style: chr14-21408415-C-T. GRCh37 (hg19) VCF-style: chr14-21876574-C-T.
Other names: c.1790G>A, p.Arg597Gln (NM_020920.4); short protein forms R597Q, R876Q.
Identifiers: ClinVar variation 1712624 (VCV001712624.3), dbSNP rs2501923492, ClinGen allele CA388875692.